The following is an entry in ClinVar:

NM_006648.4(WNK2):c.4973G>T (p.Arg1658Ile)

Gene: WNK2 (WNK lysine deficient protein kinase 2; plus strand). Cytogenetic location: 9q22.31.
Variant type: single nucleotide variant.
Coding change: c.4973G>T on transcript NM_006648.4 (MANE Select); coding-DNA position 4973, G replaced by T.
Protein change: p.Arg1658Ile; replaces arginine 1658 with isoleucine.
Molecular consequence: missense variant.
Genome position (GRCh38, 1-based): chr9:93,292,344, G>T. VCF-style: chr9-93292344-G-T. GRCh37 (hg19) VCF-style: chr9-96054626-G-T.
Other names: c.5084G>T, p.Arg1695Ile (NM_001282394.3); short protein forms R1658I, R1695I.
Identifiers: ClinVar variation 3816829 (VCV003816829.1).
Genomic context (GRCh38, chr9:93,292,344, plus strand): 5'-GTAACGTTTCTGATGTTCCCATAGCAGAGTCGTCTCCCAGGAGTATGCTAGGCTATGACA[G>T]AGATGGAAGGCAGGTGGCCTCAGACTCCCATGTGGTCCCCAGCGTCCCCCAGGTAAGGGC-3'
Protein context (NP_006639.3, residues 1648-1668): SSPRSMLGYD[Arg1658Ile]DGRQVASDSH

ClinVar aggregate classification (germline): Uncertain significance (1 of 4 stars; one submission).

Submission:

Ambry Genetics
Classification: Uncertain significance. Last evaluated: 2025-01-13. Review status: criteria provided, single submitter. Criteria: Ambry Variant Classification Scheme 2023. Collection method: clinical testing. Allele origin: germline.
Comment: The p.R1658I variant (also known as c.4973G>T), located in coding exon 21 of the WNK2 gene, results from a G to T substitution at nucleotide position 4973. The arginine at codon 1658 is replaced by isoleucine, an amino acid with similar properties. This amino acid position is conserved. In addition, this alteration is predicted to be tolerated by in silico analysis. Based on the available evidence, the clinical significance of this variant remains unclear.